The following is an entry in ClinVar:

ClinVar aggregate classification (germline): Uncertain significance. Review status: criteria provided, multiple submitters, no conflicts (2 of 4 stars). 3 submissions from 3 submitters: Uncertain significance (3). Last evaluated 2026-01-26.

Allele frequency attached by ClinVar (database versions not stated): gnomAD exomes 0.00004 and 0.00008; ExAC 0.00012; ESP Exome Variant Server 0.00038.
gnomAD v4.1: 99 of 1,613,974 alleles (0.0061%); highest among the groups gnomAD compares: Middle Eastern, 0.13%; no homozygotes.

Submissions (3):

Labcorp Genetics (formerly Invitae), Labcorp
Classification: Uncertain significance. Last evaluated: 2026-01-26. Review status: criteria provided, single submitter. Criteria: Invitae Variant Classification Sherloc (09022015). Collection method: clinical testing. Allele origin: germline.
Comment: This sequence change replaces leucine, which is neutral and non-polar, with valine, which is neutral and non-polar, at codon 560 of the MICAL1 protein (p.Leu560Val). This variant is present in population databases (rs148573701, gnomAD 0.07%), and has an allele count higher than expected for a pathogenic variant. This variant has not been reported in the literature in individuals affected with MICAL1-related conditions. ClinVar contains an entry for this variant (Variation ID: 1412525). An algorithm developed to predict the effect of missense changes on protein structure and function (PolyPhen-2) suggests that this variant is likely to be disruptive. In summary, the available evidence is currently insufficient to determine the role of this variant in disease. Therefore, it has been classified as a Variant of Uncertain Significance.

Ambry Genetics
Classification: Uncertain significance. Last evaluated: 2021-09-01. Review status: criteria provided, single submitter. Criteria: Ambry Variant Classification Scheme 2023. Collection method: clinical testing. Allele origin: germline.

Breakthrough Genomics
Classification: Uncertain significance. Review status: criteria provided, single submitter. Criteria: ACMG Guidelines, 2015. Collection method: not provided. Allele origin: germline. Inheritance: Unknown mechanism. Affected: yes.

NM_022765.4(MICAL1):c.1621C>G (p.Leu541Val)

Gene: MICAL1 (microtubule associated monooxygenase, calponin and LIM domain containing 1; minus strand). Cytogenetic location: 6q21.
Variant type: single nucleotide variant.
Coding change: c.1621C>G on transcript NM_022765.4 (MANE Select); coding-DNA position 1621, C replaced by G.
Protein change: p.Leu541Val; replaces leucine 541 with valine.
Molecular consequence: missense variant.
Genome position (GRCh38, 1-based): chr6:109,448,775, G>C on the plus strand (C>G on the coding strand, the complement: MICAL1 is on the minus strand). VCF-style: chr6-109448775-G-C. GRCh37 (hg19) VCF-style: chr6-109769978-G-C.
Other names: c.1621C>G (NM_022765.3); c.1363C>G, p.Leu455Val (NM_001159291.2); c.1678C>G, p.Leu560Val (NM_001286613.2); short protein forms L541V, L455V, L560V.
Identifiers: ClinVar variation 1412525 (VCV001412525.8), dbSNP rs148573701, ClinGen allele CA3953279.